The following is an entry in ClinVar:

ClinVar aggregate classification (germline): Likely benign. Review status: criteria provided, multiple submitters, no conflicts (2 of 4 stars). 4 submissions from 4 submitters: Likely benign (4). Last evaluated 2026-03-24.

Conditions:
Charcot-Marie-Tooth disease axonal type 2C (HMSN2C). Also called: CHARCOT-MARIE-TOOTH DISEASE, AXONAL, AUTOSOMAL DOMINANT, TYPE 2C; Charcot-Marie-Tooth Neuropathy Type 2C; Charcot-Marie-Tooth Disease Type 2, TRPV4-Related (CMT2C). Identifiers: Orphanet 99937, MedGen C1853710, MONDO:0011633, OMIM 606071.
TRPV4-related disorder. Also called: TRPV4-related condition; TRPV4-related disorders.

Allele frequency attached by ClinVar (database versions not stated): gnomAD 0.00001; gnomAD exomes 0.00001 and 0.00006; TOPMed 0.00003.
gnomAD v4.1: 90 of 1,614,080 alleles (0.0056%); highest among the groups gnomAD compares: Non-Finnish European, 0.0074%; no homozygotes.

Submissions (4):

PreventionGenetics, part of Exact Sciences
Classification: Likely benign for TRPV4-related condition. Last evaluated: 2026-03-24. Review status: criteria provided, single submitter. Criteria: ACMG Guidelines, 2015. Collection method: clinical testing. Allele origin: germline.
Comment: This variant is classified as likely benign based on ACMG/AMP sequence variant interpretation guidelines (Richards et al. 2015 PMID: 25741868, with internal and published modifications).

Women's Health and Genetics/Laboratory Corporation of America, LabCorp
Classification: Likely benign. Last evaluated: 2025-09-30. Review status: criteria provided, single submitter. Criteria: LabCorp Variant Classification Summary - May 2015. Collection method: clinical testing. Allele origin: germline.

Athena Diagnostics
Classification: Likely benign. Last evaluated: 2025-06-10. Review status: criteria provided, single submitter. Criteria: Athena Diagnostics Criteria. Collection method: clinical testing. Allele origin: unknown.
Comment: Computational tools yielded predictions that this variant is unlikely to have an effect on normal RNA splicing. This nucleotide position exhibits low evolutionary conservation.

Labcorp Genetics (formerly Invitae), Labcorp
Classification: Likely benign for Charcot-Marie-Tooth disease axonal type 2C. Last evaluated: 2023-10-11. Review status: criteria provided, single submitter. Criteria: Invitae Variant Classification Sherloc (09022015). Collection method: clinical testing. Allele origin: germline.

NM_021625.5(TRPV4):c.477C>G (p.Ser159=)

Gene: TRPV4 (transient receptor potential cation channel subfamily V member 4; minus strand). Cytogenetic location: 12q24.11.
Variant type: single nucleotide variant.
Coding change: c.477C>G on transcript NM_021625.5 (MANE Select); coding-DNA position 477, C replaced by G.
Protein change: p.Ser159=; no amino-acid change (serine 159 retained).
Molecular consequence: synonymous variant.
Genome position (GRCh38, 1-based): chr12:109,808,378, G>C on the plus strand (C>G on the coding strand, the complement: TRPV4 is on the minus strand). VCF-style: chr12-109808378-G-C. GRCh37 (hg19) VCF-style: chr12-110246183-G-C.
Other names: c.477C>G, p.Ser159= (NM_001177428.2, NM_001177433.2, NM_147204.3); c.375C>G, p.Ser125= (NM_001177431.2).
Identifiers: ClinVar variation 1538948 (VCV001538948.11), dbSNP rs905858151, ClinGen allele CA243474557.